The following is an entry in ClinVar:

ClinVar aggregate classification (germline): Conflicting classifications of pathogenicity. Review status: criteria provided, conflicting classifications (1 of 4 stars). 2 submissions from 2 submitters: Likely pathogenic (1); Uncertain significance (1). Last evaluated 2022-11-01.

Conditions:
Jawad syndrome (JWDS). Also called: KELLY SYNDROME; MICROCEPHALY WITH IMPAIRED INTELLECTUAL DEVELOPMENT AND DIGITAL ANOMALIES. Identifiers: Orphanet 313795, MedGen C0796063, MONDO:0009622, OMIM 251255.

Submissions (2):

Labcorp Genetics (formerly Invitae), Labcorp
Classification: Uncertain significance. Last evaluated: 2022-11-01. Review status: criteria provided, single submitter. Criteria: Invitae Variant Classification Sherloc (09022015). Collection method: clinical testing. Allele origin: germline.
Comment: In summary, the available evidence is currently insufficient to determine the role of this variant in disease. Therefore, it has been classified as a Variant of Uncertain Significance. ClinVar contains an entry for this variant (Variation ID: 930296). This variant has not been reported in the literature in individuals affected with RBBP8-related conditions. This variant is not present in population databases (gnomAD no frequency). This sequence change creates a premature translational stop signal (p.Val486Aspfs*3) in the RBBP8 gene. It is expected to result in an absent or disrupted protein product. However, the current clinical and genetic evidence is not sufficient to establish whether loss-of-function variants in RBBP8 cause disease.

Centre for Mendelian Genomics, University Medical Centre Ljubljana
Classification: Likely pathogenic for Jawad syndrome. Last evaluated: 2020-01-10. Review status: criteria provided, single submitter. Criteria: ACMG Guidelines, 2015. Collection method: clinical testing. Allele origin: unknown. Affected: yes.
Comment: This variant was classified as: Likely pathogenic. The following ACMG criteria were applied in classifying this variant: PVS1,PM2.

NM_002894.3(RBBP8):c.1457_1458del (p.Val486fs)

Gene: RBBP8 (RB binding protein 8, endonuclease; plus strand). Cytogenetic location: 18q11.2.
Variant type: Microsatellite.
Coding change: c.1457_1458del on transcript NM_002894.3 (MANE Select); coding-DNA positions 1457 to 1458, 2 bases deleted (TG; older notation c.1457_1458delTG).
Protein change: p.Val486fs; shifts the reading frame from valine 486.
Molecular consequence: frameshift variant.
Genome position (GRCh38, 1-based): chr18:22,993,284-22,993,285, TG deleted; deleting any 2 consecutive bases within chr18:22,993,280-22,993,285 gives the same sequence; the c. name uses the placement nearest the transcript's 3' end. VCF-style (leftmost placement, unchanged base first): chr18-22993279-CTG-C. GRCh37 (hg19) VCF-style: chr18-20573242-CTG-C.
Other names: c.1457_1458del, p.Val486fs (NM_203291.2, NM_203292.2); short protein forms V486fs.
Identifiers: ClinVar variation 930296 (VCV000930296.8), dbSNP rs1915827870, ClinGen allele CA2289916445.